The following is an entry in ClinVar:

ClinVar aggregate classification (germline): Likely benign (1 of 4 stars; one submission).

Submission:

CeGaT Center for Human Genetics Tuebingen
Classification: Likely benign. Last evaluated: 2026-05-01. Review status: criteria provided, single submitter. Criteria: CeGaT Center For Human Genetics Tuebingen Variant Classification Criteria Version 2. Collection method: clinical testing. Allele origin: germline. Affected: yes. Observed: 1 variant allele.
Comment: ONECUT3: PM2:Supporting, BP4, BP7

NM_001080488.2(ONECUT3):c.930C>T (p.Gly310=)

Gene: ONECUT3 (one cut homeobox 3; plus strand). Cytogenetic location: 19p13.3.
Variant type: single nucleotide variant.
Coding change: c.930C>T on transcript NM_001080488.2 (MANE Select); coding-DNA position 930, C replaced by T.
Protein change: p.Gly310=; no amino-acid change (glycine 310 retained).
Molecular consequence: synonymous variant.
Genome position (GRCh38, 1-based): chr19:1,754,592, C>T. VCF-style: chr19-1754592-C-T. GRCh37 (hg19) VCF-style: chr19-1754591-C-T.
Identifiers: ClinVar variation 4872821 (VCV004872821.2).